The following is an entry in ClinVar:

NM_001385012.1(NBEA):c.3643G>T (p.Asp1215Tyr)

Gene: NBEA (neurobeachin; plus strand). Cytogenetic location: 13q13.3.
Variant type: single nucleotide variant.
Coding change: c.3643G>T on transcript NM_001385012.1 (MANE Select); coding-DNA position 3643, G replaced by T.
Protein change: p.Asp1215Tyr; replaces aspartic acid 1215 with tyrosine.
Molecular consequence: missense variant.
Genome position (GRCh38, 1-based): chr13:35,159,814, G>T. VCF-style: chr13-35159814-G-T. GRCh37 (hg19) VCF-style: chr13-35733951-G-T.
Other names: c.3643G>T, p.Asp1215Tyr (NM_001379245.1, NM_015678.5); short protein forms D1215Y.
Identifiers: ClinVar variation 3731348 (VCV003731348.1).

ClinVar aggregate classification (germline): Uncertain significance (1 of 4 stars; one submission).

Conditions:
Neurodevelopmental disorder with or without early-onset generalized epilepsy. Identifiers: MedGen C5436914, MONDO:0030930, OMIM 619157.

gnomAD v4.1: 4 of 1,610,836 alleles (0.00025%); highest among the groups gnomAD compares: South Asian, 0.0044%; no homozygotes.

Submission:

Neuberg Centre For Genomic Medicine, NCGM
Classification: Uncertain significance for Neurodevelopmental disorder with or without early-onset generalized epilepsy. Last evaluated: 2023-06-22. Review status: criteria provided, single submitter. Criteria: ACMG Guidelines, 2015. Collection method: clinical testing. Allele origin: germline. Inheritance: Autosomal dominant inheritance. Affected: yes.
Comment: The observed missense variant c.3643G>T(p.Asp1215Tyr) in the NBEA gene has not been reported previously as a pathogenic variant nor as a benign variant, to our knowledge. This variant is reported with the allele frequency 0.001% in the gnomAD Exomes. The amino acid Asp at position 1215 is changed to a Tyr changing protein sequence and it might alter its composition and physico-chemical properties. Multiple lines of computational evidence (Polyphen - Damaging, SIFT - Damaging and MutationTaster - Disease causing) predict a damaging effect on protein structure and function for this variant. The residue is conserved by GERP++ and PhyloP across 100 vertebrates. For these reasons, this variant has been classified as Uncertain Significance.